The following is an entry in ClinVar:

ClinVar aggregate classification (germline): Conflicting classifications of pathogenicity. Review status: criteria provided, conflicting classifications (1 of 4 stars). 2 submissions from 2 submitters: Uncertain significance (1); Likely benign (1). Last evaluated 2025-01-13.

Conditions:
Angelman syndrome (AS). Also called: HAPPY PUPPET SYNDROME. Identifiers: Orphanet 72, MedGen C0162635, MONDO:0007113, OMIM 105830. Disease mechanism: loss of function. Inheritance: AS is caused by disruption of maternally imprinted UBE3A located within the 15q11.2-q13 Angelman syndrome/Prader-Willi syndrome (AS/PWS) region., imprinting disorder.

Allele frequency attached by ClinVar (database versions not stated): gnomAD 0.00001; TOPMed 0.00002.
gnomAD v4.1: 5 of 1,613,034 alleles (0.00031%); highest among the groups gnomAD compares: African/African-American, 0.0013%; no homozygotes.

Submissions (2):

Labcorp Genetics (formerly Invitae), Labcorp
Classification: Uncertain significance for Angelman syndrome. Last evaluated: 2025-01-13. Review status: criteria provided, single submitter. Criteria: Invitae Variant Classification Sherloc (09022015). Collection method: clinical testing. Allele origin: germline.
Comment: This sequence change replaces arginine, which is basic and polar, with cysteine, which is neutral and slightly polar, at codon 626 of the UBE3A protein (p.Arg626Cys). This variant is not present in population databases (gnomAD no frequency). This variant has not been reported in the literature in individuals affected with UBE3A-related conditions. ClinVar contains an entry for this variant (Variation ID: 1208151). Invitae Evidence Modeling of protein sequence and biophysical properties (such as structural, functional, and spatial information, amino acid conservation, physicochemical variation, residue mobility, and thermodynamic stability) indicates that this missense variant is not expected to disrupt UBE3A protein function with a negative predictive value of 80%. In summary, the available evidence is currently insufficient to determine the role of this variant in disease. Therefore, it has been classified as a Variant of Uncertain Significance.

GeneDx
Classification: Likely benign. Last evaluated: 2019-07-15. Review status: criteria provided, single submitter. Criteria: GeneDx Variant Classification Process June 2021. Collection method: clinical testing. Allele origin: germline. Affected: yes.
Comment: Not observed in large population cohorts (Lek et al., 2016); In silico analysis, which includes protein predictors and evolutionary conservation, supports that this variant does not alter protein structure/function

NM_130839.5(UBE3A):c.1936C>T (p.Arg646Cys)

Genes: SNHG14 (small nucleolar RNA host gene 14; plus strand), UBE3A (ubiquitin protein ligase E3A; minus strand). Cytogenetic location: 15q11.2.
Variant type: single nucleotide variant.
Coding change: c.1936C>T on transcript NM_130839.5 (MANE Select); coding-DNA position 1936, C replaced by T.
Protein change: p.Arg646Cys; replaces arginine 646 with cysteine.
Molecular consequence: missense variant. On other transcripts: non-coding transcript variant (1).
Genome position (GRCh38, 1-based): chr15:25,356,714, G>A on the plus strand (C>T on the coding strand, the complement: UBE3A is on the minus strand). VCF-style: chr15-25356714-G-A. GRCh37 (hg19) VCF-style: chr15-25601861-G-A.
Other names: c.1945C>T, p.Arg649Cys (NM_000462.5); c.1936C>T, p.Arg646Cys (NM_001354505.1, NM_001354538.2, NM_001354545.2); c.1876C>T, p.Arg626Cys (NM_001354506.2, NM_001354507.2, NM_001354508.2 and 17 more transcripts); c.685C>T, p.Arg229Cys (NM_001354550.2); c.625C>T, p.Arg209Cys (NM_001354551.2); c.1759C>T, p.Arg587Cys (NM_001354546.2); short protein forms R209C, R229C, R587C, R626C, R646C, R649C.
Identifiers: ClinVar variation 1208151 (VCV001208151.5), dbSNP rs746286431, ClinGen allele CA267771859.
Genomic context (GRCh38, chr15:25,356,714, plus strand): 5'-CTAAGAGACTGAATTAAAAAAATGACAAAGAACTTACTGGGTGAGAGTCTCCCAAGTCAC[G>A]AAAAGTTCCTTTTTTCCCCATTAGCTTCCTGTAGACAACCATGGGAAAATGTACATCCAG-3'
Protein context (NP_570854.1, residues 636-656): RKLMGKKGTF[Arg646Cys]DLGDSHPVLY